The following is an entry in ClinVar:

NM_177438.3(DICER1):c.2462G>T (p.Arg821Leu)

Gene: DICER1 (dicer 1, ribonuclease III; minus strand). Cytogenetic location: 14q32.13.
Variant type: single nucleotide variant.
Coding change: c.2462G>T on transcript NM_177438.3 (MANE Select); coding-DNA position 2462, G replaced by T.
Protein change: p.Arg821Leu; replaces arginine 821 with leucine.
Molecular consequence: missense variant. On other transcripts: non-coding transcript variant (6).
Genome position (GRCh38, 1-based): chr14:95,108,068, C>A on the plus strand (G>T on the coding strand, the complement: DICER1 is on the minus strand). VCF-style: chr14-95108068-C-A. GRCh37 (hg19) VCF-style: chr14-95574405-C-A.
Other names: c.2462G>T, p.Arg821Leu (NM_001195573.1, NM_001271282.3, NM_001291628.2 and 12 more transcripts); c.2180G>T, p.Arg727Leu (NM_001395686.1); c.2057G>T, p.Arg686Leu (NM_001395687.1, NM_001395688.1, NM_001395689.1 and 2 more transcripts); c.1895G>T, p.Arg632Leu (NM_001395691.1); c.779G>T, p.Arg260Leu (NM_001395697.1); short protein forms R821L, R632L, R260L, R686L, R727L.
Identifiers: ClinVar variation 3720207 (VCV003720207.2).

ClinVar aggregate classification (germline): Uncertain significance (1 of 4 stars; one submission).

Conditions:
DICER1-related tumor predisposition. Also called: DICER1 syndrome; DICER1-related pleuropulmonary blastoma cancer predisposition syndrome. Identifiers: Orphanet 284343, MedGen C3839822, MONDO:0100216.

Submission:

Labcorp Genetics (formerly Invitae), Labcorp
Classification: Uncertain significance for DICER1-related tumor predisposition. Last evaluated: 2024-11-24. Review status: criteria provided, single submitter. Criteria: Invitae Variant Classification Sherloc (09022015). Collection method: clinical testing. Allele origin: germline.
Comment: This sequence change replaces arginine, which is basic and polar, with leucine, which is neutral and non-polar, at codon 821 of the DICER1 protein (p.Arg821Leu). This variant is not present in population databases (gnomAD no frequency). This variant has not been reported in the literature in individuals affected with DICER1-related conditions. Invitae Evidence Modeling of protein sequence and biophysical properties (such as structural, functional, and spatial information, amino acid conservation, physicochemical variation, residue mobility, and thermodynamic stability) has been performed for this missense variant. However, the output from this modeling did not meet the statistical confidence thresholds required to predict the impact of this variant on DICER1 protein function. In summary, the available evidence is currently insufficient to determine the role of this variant in disease. Therefore, it has been classified as a Variant of Uncertain Significance.